The following is an entry in ClinVar:

ClinVar aggregate classification (germline): Uncertain significance (1 of 4 stars; one submission).

gnomAD v4.1: 6 of 1,606,450 alleles (0.00037%); highest among the groups gnomAD compares: Admixed American, 0.0017%; no homozygotes.

Submission:

Labcorp Genetics (formerly Invitae), Labcorp
Classification: Uncertain significance. Last evaluated: 2024-07-19. Review status: criteria provided, single submitter. Criteria: Invitae Variant Classification Sherloc (09022015). Collection method: clinical testing. Allele origin: germline.
Comment: This sequence change affects codon 111 of the TNNI3K mRNA. It is a 'silent' change, meaning that it does not change the encoded amino acid sequence of the TNNI3K protein. This variant also falls at the last nucleotide of exon 4, which is part of the consensus splice site for this exon. This variant is present in population databases (no rsID available, gnomAD 0.003%). This variant has not been reported in the literature in individuals affected with TNNI3K-related conditions. Variants that disrupt the consensus splice site are a relatively common cause of aberrant splicing (PMID: 17576681, 9536098). Algorithms developed to predict the effect of sequence changes on RNA splicing suggest that this variant may disrupt the consensus splice site. In summary, the available evidence is currently insufficient to determine the role of this variant in disease. Therefore, it has been classified as a Variant of Uncertain Significance.

Literature cited by the submitters: PubMed 17576681; PubMed 9536098.

NM_015978.3(TNNI3K):c.333G>A (p.Lys111=)

Genes: FPGT-TNNI3K (FPGT-TNNI3K readthrough; plus strand), TNNI3K (TNNI3 interacting kinase; plus strand). Cytogenetic location: 1p31.1.
Variant type: single nucleotide variant.
Coding change: c.333G>A on transcript NM_015978.3 (MANE Select); coding-DNA position 333, G replaced by A.
Protein change: p.Lys111=; no amino-acid change (lysine 111 retained).
Molecular consequence: synonymous variant.
Genome position (GRCh38, 1-based): chr1:74,250,769, G>A. VCF-style: chr1-74250769-G-A. GRCh37 (hg19) VCF-style: chr1-74716453-G-A.
Other names: c.636G>A, p.Lys212= (NM_001112808.3, NM_001199327.2).
Identifiers: ClinVar variation 3701512 (VCV003701512.2).